The following is an entry in ClinVar:

NM_007294.4(BRCA1):c.1193C>G (p.Ser398Ter)

Gene: BRCA1 (BRCA1 DNA repair associated; minus strand). Cytogenetic location: 17q21.31.
Variant type: single nucleotide variant.
Coding change: c.1193C>G on transcript NM_007294.4 (MANE Select); coding-DNA position 1193, C replaced by G.
Protein change: p.Ser398Ter; replaces serine 398 with a stop codon.
Molecular consequence: nonsense. On other transcripts: intron variant (137).
Genome position (GRCh38, 1-based): chr17:43,094,338, G>C on the plus strand (C>G on the coding strand, the complement: BRCA1 is on the minus strand). VCF-style: chr17-43094338-G-C. GRCh37 (hg19) VCF-style: chr17-41246355-G-C.
Other names: c.980C>G, p.Ser327Ter (NM_001407571.1, NM_001407853.1, NM_001407894.1 and 9 more transcripts); c.1193C>G, p.Ser398Ter (NM_001407581.1, NM_001407582.1, NM_001407583.1 and 30 more transcripts); c.1190C>G, p.Ser397Ter (NM_001407587.1, NM_001407590.1, NM_001407591.1 and 22 more transcripts); c.1184C>G, p.Ser395Ter (NM_001407646.1, NM_001407647.1); c.1070C>G, p.Ser357Ter (NM_001407648.1, NM_001407664.1, NM_001407665.1 and 19 more transcripts); c.1067C>G, p.Ser356Ter (NM_001407649.1, NM_001407670.1, NM_001407671.1 and 11 more transcripts); c.1115C>G, p.Ser372Ter (NM_001407653.1, NM_001407654.1, NM_001407655.1 and 4 more transcripts); c.1112C>G, p.Ser371Ter (NM_001407659.1, NM_001407660.1, NM_001407661.1 and 1 more transcripts); and 40 more; short protein forms S398*, S351*, S270*, S287*, S331*, S356*, S357*, S371*.
Identifiers: ClinVar variation 54160 (VCV000054160.19), dbSNP rs80357068, ClinGen allele CA000786.

ClinVar aggregate classification (germline): Pathogenic. Review status: reviewed by expert panel (3 of 4 stars). 5 submissions from 5 submitters: Pathogenic (1). 4 of the submissions do not count toward it. Last evaluated 2016-09-08.

Conditions:
Hereditary cancer-predisposing syndrome. Also called: Tumor predisposition; Neoplastic Syndromes, Hereditary; Hereditary Cancer Syndrome; Hereditary neoplastic syndrome. Identifiers: Orphanet 140162, MedGen C0027672, MeSH D009386, MONDO:0015356.
Hereditary breast ovarian cancer syndrome. Also called: Hereditary breast and ovarian cancer syndrome (HBOC); Hereditary breast and ovarian cancer syndrome; Hereditary breast and ovarian cancer; Hereditary breast and/or ovarian cancer syndrome; Breast and ovarian cancer; BRCA1- and BRCA2-Associated Hereditary Breast and Ovarian Cancer. Identifiers: Orphanet 145, MedGen C0677776, MeSH D061325, MONDO:0003582. Disease mechanism: loss of function.
Ovarian neoplasm. Also called: Ovarian tumor; Neoplasm of ovary; Ovarian Neoplasms. Identifiers: MedGen C0919267, MeSH D010051, MONDO:0021068, HP:0100615.
Breast-ovarian cancer, familial, susceptibility to, 1 (BROVCA1). Also called: OVARIAN CANCER, SUSCEPTIBILITY TO; BRCA1 Hereditary Breast and Ovarian Cancer. Identifiers: Orphanet 145, MedGen C2676676, MONDO:0011450, OMIM 604370. Disease mechanism: loss of function.

Submissions (5):

Evidence-based Network for the Interpretation of Germline Mutant Alleles (ENIGMA)
Classification: Pathogenic for Breast-ovarian cancer, familial, susceptibility to, 1. Last evaluated: 2016-09-08. Review status: reviewed by expert panel. Criteria: ENIGMA BRCA1/2 Classification Criteria (2015). Collection method: curation. Allele origin: germline.
Comment: Variant allele predicted to encode a truncated non-functional protein.

Labcorp Genetics (formerly Invitae), Labcorp
Classification: Pathogenic for Hereditary breast ovarian cancer syndrome. Last evaluated: 2018-06-06. Review status: criteria provided, single submitter. Criteria: Invitae Variant Classification Sherloc (09022015). Collection method: clinical testing. Allele origin: germline. Not counted in ClinVar's aggregate classification.
Comment: Loss-of-function variants in BRCA1 are known to be pathogenic (PMID: 20104584). For these reasons, this variant has been classified as Pathogenic. This variant has been observed in a family affected with breast and/or ovarian cancer (PMID: 22923021). ClinVar contains an entry for this variant (Variation ID: 54160). This sequence change creates a premature translational stop signal (p.Ser398*) in the BRCA1 gene. It is expected to result in an absent or disrupted protein product. This variant is not present in population databases (ExAC no frequency).

Ambry Genetics
Classification: Pathogenic for Hereditary cancer-predisposing syndrome. Last evaluated: 2017-05-15. Review status: criteria provided, single submitter. Criteria: Ambry Variant Classification Scheme 2023. Collection method: clinical testing. Allele origin: germline. Not counted in ClinVar's aggregate classification.
Comment: The p.S398* pathogenic mutation (also known as c.1193C>G), located in coding exon 9 of the BRCA1 gene, results from a C to G substitution at nucleotide position 1193. This changes the amino acid from a serine to a stop codon within coding exon 9. The p.S398* alteration is expected to result in loss of function by premature protein truncation or nonsense-mediated mRNA decay. As such, this alteration is interpreted as a disease-causing mutation.

German Consortium for Hereditary Breast and Ovarian Cancer, University Hospital Cologne
Classification: Pathogenic for Ovarian neoplasm. Last evaluated: 2018-12-01. Review status: no assertion criteria provided. Collection method: research. Allele origin: germline. Affected: yes. Not counted in ClinVar's aggregate classification.

Breast Cancer Information Core (BIC) (BRCA1)
Classification: Pathogenic for Breast-ovarian cancer, familial 1. Last evaluated: 2004-02-20. Review status: no assertion criteria provided. Collection method: clinical testing. Allele origin: germline. Affected: yes. Observed: 1 variant allele. Not counted in ClinVar's aggregate classification.

Literature cited by the submitters: PubMed 20104584 (cited by Labcorp Genetics (formerly Invitae), Labcorp); PubMed 22923021 (cited by Labcorp Genetics (formerly Invitae), Labcorp and Ambry Genetics).